The following is an entry in ClinVar:

ClinVar aggregate classification (germline): Uncertain significance. Review status: criteria provided, multiple submitters, no conflicts (2 of 4 stars). 2 submissions from 2 submitters: Uncertain significance (2). Last evaluated 2024-09-17.

Allele frequency attached by ClinVar (database versions not stated): TOPMed 0.00002.
gnomAD v4.1: 3 of 1,613,564 alleles (0.00019%); highest among the groups gnomAD compares: African/African-American, 0.0013%; no homozygotes.

Submissions (2):

GeneDx
Classification: Uncertain significance. Last evaluated: 2024-09-17. Review status: criteria provided, single submitter. Criteria: GeneDx Variant Classification Process June 2021. Collection method: clinical testing. Allele origin: germline. Affected: yes.
Comment: Not observed at significant frequency in large population cohorts (gnomAD); In silico analysis supports that this missense variant does not alter protein structure/function; Has not been previously published as pathogenic or benign to our knowledge

Greenwood Genetic Center Diagnostic Laboratories, Greenwood Genetic Center
Classification: Uncertain significance. Last evaluated: 2022-10-26. Review status: criteria provided, single submitter. Criteria: ACMG Guidelines, 2015. Collection method: clinical testing. Allele origin: germline. Affected: yes.
Comment: PM2

NM_015215.4(CAMTA1):c.1550C>A (p.Pro517His)

Gene: CAMTA1 (calmodulin binding transcription activator 1; plus strand). Cytogenetic location: 1p36.23.
Variant type: single nucleotide variant.
Coding change: c.1550C>A on transcript NM_015215.4 (MANE Select); coding-DNA position 1550, C replaced by A.
Protein change: p.Pro517His; replaces proline 517 with histidine.
Molecular consequence: missense variant.
Genome position (GRCh38, 1-based): chr1:7,664,097, C>A. VCF-style: chr1-7664097-C-A. GRCh37 (hg19) VCF-style: chr1-7724157-C-A.
Other names: c.1460C>A, p.Pro487His (NM_001349608.2, NM_001349612.2); c.1550C>A, p.Pro517His (NM_001349609.2, NM_001349610.2, NM_001410737.1); c.1478C>A, p.Pro493His (NM_001410738.1); c.1550C>A (NM_015215.3); short protein forms P487H, P493H, P517H.
Identifiers: ClinVar variation 2429086 (VCV002429086.5), dbSNP rs1248944384, ClinGen allele CA338128029.